The following is an entry in ClinVar:

ClinVar aggregate classification (germline): Conflicting classifications of pathogenicity. Review status: criteria provided, conflicting classifications (1 of 4 stars). 7 submissions from 7 submitters: Uncertain significance (6); Likely benign (1). Last evaluated 2025-08-08.

Conditions:
Hereditary cancer-predisposing syndrome. Also called: Hereditary neoplastic syndrome; Tumor predisposition; Neoplastic Syndromes, Hereditary; Hereditary Cancer Syndrome. Identifiers: Orphanet 140162, MedGen C0027672, MeSH D009386, MONDO:0015356.
Hereditary breast ovarian cancer syndrome. Also called: Hereditary breast and ovarian cancer; Hereditary breast and/or ovarian cancer syndrome; Hereditary breast and ovarian cancer syndrome; Hereditary breast and ovarian cancer syndrome (HBOC); Breast and ovarian cancer; BRCA1- and BRCA2-Associated Hereditary Breast and Ovarian Cancer. Identifiers: Orphanet 145, MedGen C0677776, MeSH D061325, MONDO:0003582. Disease mechanism: loss of function.

Allele frequency attached by ClinVar (database versions not stated): gnomAD exomes below 0.00001 and 0.00001; gnomAD 0.00002; TOPMed 0.00002.
gnomAD v4.1: 5 of 1,607,410 alleles (0.00031%); highest among the groups gnomAD compares: African/African-American, 0.0054%; no homozygotes.

Submissions (7):

Quest Diagnostics Nichols Institute San Juan Capistrano
Classification: Uncertain significance. Last evaluated: 2025-08-08. Review status: criteria provided, single submitter. Criteria: Quest Diagnostics criteria. Collection method: clinical testing. Allele origin: unknown.
Comment: The BRCA2 c.3176T>G (p.Leu1059Arg) variant has been reported in the published literature in an individual with breast cancer (PMID: 33646313 (2021)), and described to be located in a region of the BRCA2 gene that is tolerant to missense sequence changes (PMID: 31911673 (2020)). The frequency of this variant in the general population (Genome Aggregation Database) is uninformative in the assessment of its pathogenicity. Analysis of this variant using bioinformatics tools for the prediction of the effect of amino acid changes on protein structure and function yielded conflicting predictions that this variant is benign or damaging. Based on the available information, we are unable to determine the clinical significance of this variant.

Labcorp Genetics (formerly Invitae), Labcorp
Classification: Uncertain significance for Hereditary breast ovarian cancer syndrome. Last evaluated: 2025-07-22. Review status: criteria provided, single submitter. Criteria: Invitae Variant Classification Sherloc (09022015). Collection method: clinical testing. Allele origin: germline.
Comment: This sequence change replaces leucine, which is neutral and non-polar, with arginine, which is basic and polar, at codon 1059 of the BRCA2 protein (p.Leu1059Arg). This variant is present in population databases (no rsID available, gnomAD 0.007%). This missense change has been observed in individual(s) with breast cancer (PMID: 33646313). ClinVar contains an entry for this variant (Variation ID: 419515). Invitae Evidence Modeling of protein sequence and biophysical properties (such as structural, functional, and spatial information, amino acid conservation, physicochemical variation, residue mobility, and thermodynamic stability) indicates that this missense variant is not expected to disrupt BRCA2 protein function with a negative predictive value of 95%. In summary, the available evidence is currently insufficient to determine the role of this variant in disease. Therefore, it has been classified as a Variant of Uncertain Significance.

Women's Health and Genetics/Laboratory Corporation of America, LabCorp
Classification: Uncertain significance. Last evaluated: 2025-04-23. Review status: criteria provided, single submitter. Criteria: LabCorp Variant Classification Summary - May 2015. Collection method: clinical testing. Allele origin: germline.
Comment: Variant summary: BRCA2 c.3176T>G (p.Leu1059Arg) results in a non-conservative amino acid change in the encoded protein sequence. Three of five in-silico tools predict a benign effect of the variant on protein function. The variant allele was found at a frequency of 8.1e-06 in 246522 control chromosomes (gnomAD). The available data on variant occurrences in the general population are insufficient to allow any conclusion about variant significance. c.3176T>G has been reported in the literature as a VUS in settings of multigene panel testing in at-least one woman reporting an age at first breast cancer diagnosis of 51 years (example, George_2021). This report, however, does not provide unequivocal conclusions about association of the variant with Hereditary Breast and Ovarian Cancer Syndrome. Co-occurrence with other pathogenic variant has been reported (BRCA1 c.5038_5041dup, p.Thr1681AsnfsX3), providing supporting evidence for a benign role. To our knowledge, no experimental evidence demonstrating an impact on protein function has been reported. The following publication haS been ascertained in the context of this evaluation (PMID: 33646313). ClinVar contains an entry for this variant (Variation ID: 419515). Based on the evidence outlined above, the variant was classified as VUS-possibly benign.

GeneDx
Classification: Uncertain significance. Last evaluated: 2024-04-16. Review status: criteria provided, single submitter. Criteria: GeneDx Variant Classification Process June 2021. Collection method: clinical testing. Allele origin: germline. Affected: yes.
Comment: Observed in an individual with breast cancer (PMID: 33646313); Not observed at significant frequency in large population cohorts (gnomAD); In silico analysis supports that this missense variant has a deleterious effect on protein structure/function; Also known as 3404T>G; This variant is associated with the following publications: (PMID: 29884841, 32377563, 33646313)

Ambry Genetics
Classification: Uncertain significance for Hereditary cancer-predisposing syndrome. Last evaluated: 2023-11-22. Review status: criteria provided, single submitter. Criteria: Ambry Variant Classification Scheme 2023. Collection method: clinical testing. Allele origin: germline.
Comment: The p.L1059R variant (also known as c.3176T>G), located in coding exon 10 of the BRCA2 gene, results from a T to G substitution at nucleotide position 3176. The leucine at codon 1059 is replaced by arginine, an amino acid with dissimilar properties. This amino acid position is not well conserved in available vertebrate species. In addition, this alteration is predicted to be tolerated by in silico analysis. Since supporting evidence is limited at this time, the clinical significance of this alteration remains unclear.

University of Washington Department of Laboratory Medicine, University of Washington
Classification: Likely benign for Hereditary cancer-predisposing syndrome. Last evaluated: 2023-03-23. Review status: criteria provided, single submitter. Criteria: Dines et al. (Genet Med. 2020). Collection method: curation. Allele origin: germline.
Comment: Missense variant in a coldspot region where missense variants are very unlikely to be pathogenic (PMID:31911673).

BRCA2 exon 11 coldspot. Reclassification based on statistical prior probability.

Sema4
Classification: Uncertain significance for Hereditary cancer-predisposing syndrome. Last evaluated: 2022-03-04. Review status: criteria provided, single submitter. Criteria: Sema4 Curation Guidelines. Collection method: curation. Allele origin: germline.
Comment: The BRCA2 c.3176T>G (p.L1059R) variant has been reported in heterozygosity in at least 1 individual with breast cancer (PMID: 33646313). This variant was observed in 2/246522 chromosomes of the large and broad cohorts in the Genome Aggregation Database (PMID: 32461654). This variant has been reported in ClinVar (Variation ID: 419515). Functional studies have not been performed, and in silico predictions of the variant's effect on protein function are inconclusive. The evidence is insufficient to meet ACMG/AMP criteria for classifying the variant as benign or pathogenic. Thus, the clinical significance of this variant is currently uncertain.

Literature cited by the submitters: PubMed 33646313 (cited by 5 submitters); PubMed 31911673 (cited by Quest Diagnostics Nichols Institute San Juan Capistrano).

NM_000059.4(BRCA2):c.3176T>G (p.Leu1059Arg)

Gene: BRCA2 (BRCA2 DNA repair associated; plus strand). Cytogenetic location: 13q13.1.
Variant type: single nucleotide variant.
Coding change: c.3176T>G on transcript NM_000059.4 (MANE Select); coding-DNA position 3176, T replaced by G.
Protein change: p.Leu1059Arg; replaces leucine 1059 with arginine.
Molecular consequence: missense variant.
Genome position (GRCh38, 1-based): chr13:32,337,531, T>G. VCF-style: chr13-32337531-T-G. GRCh37 (hg19) VCF-style: chr13-32911668-T-G.
Other names: short protein forms L1059R.
Identifiers: ClinVar variation 419515 (VCV000419515.20), dbSNP rs1064793927, ClinGen allele CA16619689.
Genomic context (GRCh38, chr13:32,337,531, plus strand): 5'-CTACTAGTTTAGCTTGTGTTGAAATTGTAAATACCTTGGCATTAGATAATCAAAAGAAAC[T>G]GAGCAAGCCTCAGTCAATTAATACTGTATCTGCACATTTACAGAGTAGTGTAGTTGTTTC-3'
Protein context (NP_000050.3, residues 1049-1069): NTLALDNQKK[Leu1059Arg]SKPQSINTVS